The following is an entry in ClinVar:

ClinVar aggregate classification (germline): Uncertain significance. Review status: criteria provided, multiple submitters, no conflicts (2 of 4 stars). 6 submissions from 6 submitters: Uncertain significance (6). Last evaluated 2025-08-16.

Conditions:
SBF1-related disorder. Also called: SBF1-related condition.

Allele frequency attached by ClinVar (database versions not stated): gnomAD 0.00001 and 0.00002; gnomAD exomes 0.00004 and 0.00013; TOPMed 0.00006; ExAC 0.00013.
gnomAD v4.1: 57 of 1,611,546 alleles (0.0035%); highest among the groups gnomAD compares: Admixed American, 0.04%; 1 homozygote.

Submissions (6):

GeneDx
Classification: Uncertain significance. Last evaluated: 2025-08-16. Review status: criteria provided, single submitter. Criteria: GeneDx Variant Classification Process June 2021. Collection method: clinical testing. Allele origin: germline. Affected: yes.
Comment: In silico analysis suggests that this missense variant does not alter protein structure/function; Has not been previously published as pathogenic or benign to our knowledge

PreventionGenetics, part of Exact Sciences
Classification: Uncertain significance for SBF1-related condition. Last evaluated: 2024-10-10. Review status: criteria provided, single submitter. Criteria: ACMG Guidelines, 2015. Collection method: clinical testing. Allele origin: germline.
Comment: The SBF1 c.3158G>A variant is predicted to result in the amino acid substitution p.Arg1053Gln. To our knowledge, this variant has not been reported in the literature. This variant is reported in 0.063% of alleles in individuals of Latino descent in gnomAD. Although we suspect that this variant may be benign, at this time, the clinical significance of this variant is uncertain due to the absence of conclusive functional and genetic evidence.

Ambry Genetics
Classification: Uncertain significance. Last evaluated: 2024-08-27. Review status: criteria provided, single submitter. Criteria: Ambry Variant Classification Scheme 2023. Collection method: clinical testing. Allele origin: germline.

Blueprint Genetics
Classification: Uncertain significance. Last evaluated: 2023-11-29. Review status: criteria provided, single submitter. Criteria: ACMG Guidelines, 2015. Collection method: clinical testing. Allele origin: germline.

Mayo Clinic Laboratories, Mayo Clinic
Classification: Uncertain significance. Last evaluated: 2023-08-18. Review status: criteria provided, single submitter. Criteria: ACMG Guidelines, 2015. Collection method: clinical testing. Allele origin: germline. Observed: 1 variant allele.
Comment: BP4

Labcorp Genetics (formerly Invitae), Labcorp
Classification: Uncertain significance. Last evaluated: 2023-05-23. Review status: criteria provided, single submitter. Criteria: Invitae Variant Classification Sherloc (09022015). Collection method: clinical testing. Allele origin: germline.
Comment: Advanced modeling of protein sequence and biophysical properties (such as structural, functional, and spatial information, amino acid conservation, physicochemical variation, residue mobility, and thermodynamic stability) performed at Invitae indicates that this missense variant is expected to disrupt SBF1 protein function. In summary, the available evidence is currently insufficient to determine the role of this variant in disease. Therefore, it has been classified as a Variant of Uncertain Significance. ClinVar contains an entry for this variant (Variation ID: 1508305). This variant has not been reported in the literature in individuals affected with SBF1-related conditions. This variant is present in population databases (rs752184283, gnomAD 0.06%). This sequence change replaces arginine, which is basic and polar, with glutamine, which is neutral and polar, at codon 1053 of the SBF1 protein (p.Arg1053Gln).

NM_002972.4(SBF1):c.3158G>A (p.Arg1053Gln)

Gene: SBF1 (SET binding factor 1; minus strand). Cytogenetic location: 22q13.33.
Variant type: single nucleotide variant.
Coding change: c.3158G>A on transcript NM_002972.4 (MANE Select); coding-DNA position 3158, G replaced by A.
Protein change: p.Arg1053Gln; replaces arginine 1053 with glutamine.
Molecular consequence: missense variant.
Genome position (GRCh38, 1-based): chr22:50,460,397, C>T on the plus strand (G>A on the coding strand, the complement: SBF1 is on the minus strand). VCF-style: chr22-50460397-C-T. GRCh37 (hg19) VCF-style: chr22-50898826-C-T.
Other names: p.Arg1053Gln; c.3161G>A, p.Arg1054Gln (NM_001365819.1); c.3158G>A (NM_002972.3, NM_002972.2); short protein forms R1053Q, R1054Q.
Identifiers: ClinVar variation 1508305 (VCV001508305.9), dbSNP rs752184283, ClinGen allele CA10316838.